The following is an entry in ClinVar:

NM_001754.5(RUNX1):c.650G>A (p.Gly217Glu)

Gene: RUNX1 (RUNX family transcription factor 1; minus strand). Cytogenetic location: 21q22.12.
Variant type: single nucleotide variant.
Coding change: c.650G>A on transcript NM_001754.5 (MANE Select); coding-DNA position 650, G replaced by A.
Protein change: p.Gly217Glu; replaces glycine 217 with glutamic acid.
Molecular consequence: missense variant.
Genome position (GRCh38, 1-based): chr21:34,834,565, C>T on the plus strand (G>A on the coding strand, the complement: RUNX1 is on the minus strand). VCF-style: chr21-34834565-C-T. GRCh37 (hg19) VCF-style: chr21-36206862-C-T.
Other names: NM_001754.5(RUNX1):c.650G>A; p.Gly217Glu; c.569G>A, p.Gly190Glu (NM_001001890.3, NM_001122607.2); short protein forms G190E, G217E.
Identifiers: ClinVar variation 3791471 (VCV003791471.1).
Genomic context (GRCh38, chr21:34,834,565, plus strand): 5'-CTCATGGCTGTGCGCCGCAGCTGCTCCAGTTCACTGAGCCGCTCGGAAAAGGACAAGCTC[C>T]CGGGCTTGGTCTGATCATCTAGTTTCTGCCGATGTCCTATTGTGGGGAGCAGGGAGGGGA-3'
Protein context (NP_001745.2, residues 207-227): RQKLDDQTKP[Gly217Glu]SLSFSERLSE

ClinVar aggregate classification (germline): Uncertain significance. Review status: reviewed by expert panel (3 of 4 stars). 2 submissions from 2 submitters: Uncertain significance (1). 1 of the submissions does not count toward it. Last evaluated 2025-07-14.

Conditions:
Inborn genetic diseases. Identifiers: MedGen C0950123, MeSH D030342.
Hereditary thrombocytopenia and hematologic cancer predisposition syndrome. Identifiers: Orphanet 71290, MedGen CN281654, MONDO:0011071.

Submissions (2):

ClinGen Myeloid Malignancy Variant Curation Expert Panel
Classification: Uncertain significance for Hereditary thrombocytopenia and hematologic cancer predisposition syndrome. Last evaluated: 2025-07-14. Review status: reviewed by expert panel. Criteria: ClinGen MyeloMalig ACMG Specifications v2. Collection method: curation. Allele origin: germline. Inheritance: Autosomal dominant inheritance.
Comment: NM_001754.5(RUNX1):c.650G>A (p.Gly217Glu) is a missense variant which is completely absent from all population databases with at least 20x coverage for RUNX1 (PM2_Supporting). In summary, the clinical significance of this variant is uncertain. ACMG/AMP criteria applied, as specified by the Myeloid Malignancy Variant Curation Expert Panel for RUNX1: PM2_supporting.

Ambry Genetics
Classification: Uncertain significance for Inborn genetic diseases. Last evaluated: 2024-12-25. Review status: criteria provided, single submitter. Criteria: Ambry Variant Classification Scheme 2023. Collection method: clinical testing. Allele origin: germline. Not counted in ClinVar's aggregate classification.
Comment: The p.G217E variant (also known as c.650G>A), located in coding exon 6 of the RUNX1 gene, results from a G to A substitution at nucleotide position 650. The glycine at codon 217 is replaced by glutamic acid, an amino acid with similar properties. This amino acid position is conserved. In addition, this alteration is predicted to be deleterious by in silico analysis. Based on the available evidence, the clinical significance of this variant remains unclear.